The following is an entry in ClinVar:

NM_178857.6(RP1L1):c.610-13G>A

Gene: RP1L1 (RP1 like 1). Cytogenetic location: 8p23.1.
Variant type: single nucleotide variant.
Coding change: c.610-13G>A on transcript NM_178857.6 (MANE Select); 13 bases into the intron before coding-DNA position 610, G replaced by A.
Molecular consequence: intron variant.
Genome position (GRCh38, 1-based): chr8:10,616,600, C>T on the plus strand (G>A on the coding strand, the complement: RP1L1 is on the minus strand). VCF-style: chr8-10616600-C-T. GRCh37 (hg19) VCF-style: chr8-10474110-C-T.
Identifiers: ClinVar variation 361401 (VCV000361401.16), dbSNP rs62490859, ClinGen allele CA4625540.

ClinVar aggregate classification (germline): Benign. Review status: criteria provided, multiple submitters, no conflicts (2 of 4 stars). 5 submissions from 4 submitters: Benign (5). Last evaluated 2026-02-02.

Conditions:
Occult macular dystrophy (OCMD). Also called: OMD; OCCULT MACULAR DYSTROPHY, SUSCEPTIBILITY TO. Identifiers: Orphanet 247834, MedGen C3150833, MONDO:0013316, OMIM 613587, HP:0030636.
Retinitis pigmentosa 88. Identifiers: MedGen C5394208, MONDO:0032940, OMIM 618826.

Allele frequency attached by ClinVar (database versions not stated): ESP Exome Variant Server 0.09835; gnomAD 0.09888 and 0.10633; TOPMed 0.10086; gnomAD exomes 0.13440; 1000 Genomes Project 30x 0.14225; ExAC 0.14513; 1000 Genomes Project 0.14696.
gnomAD v4.1: 187,011 of 1,606,532 alleles (12%); highest among the groups gnomAD compares: South Asian, 28%; 12,790 homozygotes.

Submissions (5):

Labcorp Genetics (formerly Invitae), Labcorp
Classification: Benign. Last evaluated: 2026-02-02. Review status: criteria provided, single submitter. Criteria: Invitae Variant Classification Sherloc (09022015). Collection method: clinical testing. Allele origin: germline.

Genome-Nilou Lab
Classification: Benign for Occult macular dystrophy. Last evaluated: 2021-11-07. Review status: criteria provided, single submitter. Criteria: ACMG Guidelines, 2015. Collection method: clinical testing. Allele origin: germline. Affected: no.

Genome-Nilou Lab
Classification: Benign for Retinitis pigmentosa 88. Last evaluated: 2021-11-07. Review status: criteria provided, single submitter. Criteria: ACMG Guidelines, 2015. Collection method: clinical testing. Allele origin: germline. Affected: no.

Illumina Laboratory Services, Illumina
Classification: Benign for Occult macular dystrophy. Last evaluated: 2018-01-13. Review status: criteria provided, single submitter. Criteria: ICSL Variant Classification Criteria 13 December 2019. Collection method: clinical testing. Allele origin: germline.
Comment: This variant was observed in the ICSL laboratory as part of a predisposition screen in an ostensibly healthy population. It had not been previously curated by ICSL or reported in the Human Gene Mutation Database (HGMD: prior to June 1st, 2018), and was therefore a candidate for classification through an automated scoring system. Utilizing variant allele frequency, disease prevalence and penetrance estimates, and inheritance mode, an automated score was calculated to assess if this variant is too frequent to cause the disease. Based on the score and internal cut-off values, a variant classified as benign is not then subjected to further curation. The score for this variant resulted in a classification of benign for this disease.

Breakthrough Genomics
Classification: Benign. Review status: criteria provided, single submitter. Criteria: ACMG Guidelines, 2015. Collection method: not provided. Allele origin: germline. Inheritance: Autosomal recessive inheritance. Affected: yes.